The following is an entry in ClinVar:

ClinVar aggregate classification (germline): Benign (1 of 4 stars; one submission).

Allele frequency attached by ClinVar (database versions not stated): gnomAD exomes 0.08712; ExAC 0.12433; gnomAD 0.15281; TOPMed 0.16672; 1000 Genomes Project 30x 0.21580; 1000 Genomes Project 0.21605.
gnomAD v4.1: 71,306 of 701,156 alleles (10%); highest among the groups gnomAD compares: African/African-American, 34%; 6,494 homozygotes.

Submission:

Unidad de Genómica Garrahan, Hospital de Pediatría Garrahan
Classification: Benign. Last evaluated: 2024-01-24. Review status: criteria provided, single submitter. Criteria: ACMG Guidelines, 2015. Collection method: clinical testing. Allele origin: germline. Affected: no. Observed: 24 variant alleles.
Comment: This variant is classified as Benign based on local population frequency. This variant was detected in 27% of patients studied by a panel of primary immunodeficiencies. Number of patients: 24. Only high quality variants are reported.

NM_001039569.2(AP1S3):c.183-170A>G

Gene: AP1S3 (adaptor related protein complex 1 subunit sigma 3; minus strand). Cytogenetic location: 2q36.1.
Variant type: single nucleotide variant.
Coding change: c.183-170A>G on transcript NM_001039569.2 (MANE Select); 170 bases into the intron before coding-DNA position 183, A replaced by G.
Molecular consequence: intron variant.
Genome position (GRCh38, 1-based): chr2:223,776,179, T>C on the plus strand (A>G on the coding strand, the complement: AP1S3 is on the minus strand). VCF-style: chr2-223776179-T-C. GRCh37 (hg19) VCF-style: chr2-224640896-T-C.
Identifiers: ClinVar variation 2688467 (VCV002688467.2), dbSNP rs55944411, ClinGen allele CA2138388.